The following is an entry in ClinVar:

ClinVar aggregate classification (germline): Uncertain significance. Review status: criteria provided, multiple submitters, no conflicts (2 of 4 stars). 4 submissions from 4 submitters: Uncertain significance (4). Last evaluated 2025-08-29.

Conditions:
MAK-related disorder. Also called: MAK-related condition.
Inborn genetic diseases. Identifiers: MedGen C0950123, MeSH D030342.

Allele frequency attached by ClinVar (database versions not stated): gnomAD 0.00003 and 0.00005; gnomAD exomes 0.00004; ExAC 0.00007; ESP Exome Variant Server 0.00008; TOPMed 0.00010; 1000 Genomes Project 30x 0.00047; 1000 Genomes Project 0.00060.
gnomAD v4.1: 68 of 1,614,074 alleles (0.0042%); highest among the groups gnomAD compares: Non-Finnish European, 0.0051%; no homozygotes.

Submissions (4):

Ambry Genetics
Classification: Uncertain significance for Inborn genetic diseases. Last evaluated: 2025-08-29. Review status: criteria provided, single submitter. Criteria: Ambry Variant Classification Scheme 2023. Collection method: clinical testing. Allele origin: germline.

PreventionGenetics, part of Exact Sciences
Classification: Uncertain significance for MAK-related condition. Last evaluated: 2024-12-05. Review status: criteria provided, single submitter. Criteria: ACMG Guidelines, 2015. Collection method: clinical testing. Allele origin: germline.
Comment: The MAK c.985G>A variant is predicted to result in the amino acid substitution p.Asp329Asn. To our knowledge, this variant has not been reported in the literature. This variant is reported in 0.0070% of alleles in individuals of European (Non-Finnish) descent in gnomAD. At this time, the clinical significance of this variant is uncertain due to the absence of conclusive functional and genetic evidence.

Blueprint Genetics
Classification: Uncertain significance. Last evaluated: 2024-10-09. Review status: criteria provided, single submitter. Criteria: ACMG Guidelines, 2015. Collection method: clinical testing. Allele origin: germline.

Labcorp Genetics (formerly Invitae), Labcorp
Classification: Uncertain significance. Last evaluated: 2022-09-06. Review status: criteria provided, single submitter. Criteria: Invitae Variant Classification Sherloc (09022015). Collection method: clinical testing. Allele origin: germline.
Comment: This sequence change replaces aspartic acid, which is acidic and polar, with asparagine, which is neutral and polar, at codon 329 of the MAK protein (p.Asp329Asn). This variant is present in population databases (rs201812469, gnomAD 0.008%). This variant has not been reported in the literature in individuals affected with MAK-related conditions. ClinVar contains an entry for this variant (Variation ID: 962659). Advanced modeling of protein sequence and biophysical properties (such as structural, functional, and spatial information, amino acid conservation, physicochemical variation, residue mobility, and thermodynamic stability) performed at Invitae indicates that this missense variant is not expected to disrupt MAK protein function. In summary, the available evidence is currently insufficient to determine the role of this variant in disease. Therefore, it has been classified as a Variant of Uncertain Significance.

NM_001242957.3(MAK):c.985G>A (p.Asp329Asn)

Gene: MAK (male germ cell associated kinase; minus strand). Cytogenetic location: 6p24.2.
Variant type: single nucleotide variant.
Coding change: c.985G>A on transcript NM_001242957.3 (MANE Select); coding-DNA position 985, G replaced by A.
Protein change: p.Asp329Asn; replaces aspartic acid 329 with asparagine.
Molecular consequence: missense variant. On other transcripts: non-coding transcript variant (2).
Genome position (GRCh38, 1-based): chr6:10,796,156, C>T on the plus strand (G>A on the coding strand, the complement: MAK is on the minus strand). VCF-style: chr6-10796156-C-T. GRCh37 (hg19) VCF-style: chr6-10796389-C-T.
Other names: c.985G>A (NM_005906.4); c.985G>A, p.Asp329Asn (NM_001242385.2, NM_005906.6); c.883G>A, p.Asp295Asn (NM_001377262.1); short protein forms D295N, D329N.
Identifiers: ClinVar variation 962659 (VCV000962659.8), dbSNP rs201812469, ClinGen allele CA3633584.